The following is an entry in ClinVar:

NM_001048181.3(OPN1MW2):c.853G>A (p.Ala285Thr)

Genes: OPN1MW2 (opsin 1, medium wave sensitive 2; plus strand), OPN1MW3 (opsin 1, medium wave sensitive 3; plus strand). Cytogenetic location: Xq28.
Variant type: single nucleotide variant.
Coding change: c.853G>A on transcript NM_001048181.3 (MANE Select); coding-DNA position 853, G replaced by A.
Protein change: p.Ala285Thr; replaces alanine 285 with threonine.
Molecular consequence: missense variant.
Genome position (GRCh38, 1-based): chrX:154,230,656, G>A. VCF-style: chrX-154230656-G-A. GRCh37 (hg19) VCF-style: chrX-153496125-G-A.
Other names: short protein forms A285T.
Identifiers: ClinVar variation 1284756 (VCV001284756.27), dbSNP rs1065438, ClinGen allele CA10559112.

ClinVar aggregate classification (germline): Likely benign. Review status: criteria provided, single submitter (1 of 4 stars). 3 submissions from 3 submitters: Likely benign (1). 2 of the submissions do not count toward it. Last evaluated 2023-03-01.

Allele frequency attached by ClinVar (database versions not stated): ExAC 0.00050; gnomAD exomes 0.00060.

Submissions (3):

CeGaT Center for Human Genetics Tuebingen
Classification: Likely benign. Last evaluated: 2023-03-01. Review status: criteria provided, single submitter. Criteria: CeGaT Center For Human Genetics Tuebingen Variant Classification Criteria Version 2. Collection method: clinical testing. Allele origin: germline. Affected: yes. Observed: 1 variant allele.
Comment: OPN1MW2: BP4, BS2; OPN1MW3: BP4, BS2

Clinical Genetics DNA and cytogenetics Diagnostics Lab, Erasmus MC, Erasmus Medical Center
Classification: Likely benign. Review status: no assertion criteria provided. Collection method: clinical testing. Allele origin: germline. Affected: yes. Study: VKGL Data-share Consensus. Not counted in ClinVar's aggregate classification.

Clinical Genetics, Academic Medical Center
Classification: Benign. Review status: no assertion criteria provided. Collection method: clinical testing. Allele origin: germline. Affected: yes. Study: VKGL Data-share Consensus. Not counted in ClinVar's aggregate classification.